The following is an entry in ClinVar:

ClinVar aggregate classification (germline): Likely benign (0 of 4 stars; one submission).

Conditions:
HNF1B-related disorder. Also called: HNF1B-related disorders; HNF1B-related condition.

Allele frequency attached by ClinVar (database versions not stated): TOPMed below 0.00001; gnomAD 0.00001.
gnomAD v4.1: 1 of 1,614,032 alleles (0.000062%); highest among the groups gnomAD compares: Admixed American, 0.0017%; no homozygotes.

Submission:

PreventionGenetics, part of Exact Sciences
Classification: Likely benign for HNF1B-related condition. Last evaluated: 2021-03-25. Review status: no assertion criteria provided. Collection method: clinical testing. Allele origin: germline.
Comment: This variant is classified as likely benign based on ACMG/AMP sequence variant interpretation guidelines (Richards et al. 2015 PMID: 25741868, with internal and published modifications).

NM_000458.4(HNF1B):c.809+10C>A

Genes: HNF1B (HNF1 homeobox B; minus strand), LOC126862549 (BRD4-independent group 4 enhancer GRCh37_chr17:36093401-36094600; plus strand). Cytogenetic location: 17q12.
Variant type: single nucleotide variant.
Coding change: c.809+10C>A on transcript NM_000458.4 (MANE Select); 10 bases into the intron after coding-DNA position 809, C replaced by A.
Molecular consequence: intron variant.
Genome position (GRCh38, 1-based): chr17:37,733,547, G>T on the plus strand (C>A on the coding strand, the complement: HNF1B is on the minus strand). VCF-style: chr17-37733547-G-T. GRCh37 (hg19) VCF-style: chr17-36093540-G-T.
Other names: c.731+10C>A (NM_001304286.2, NM_001165923.4); c.809+10C>A (NM_001411100.1).
Identifiers: ClinVar variation 3052177 (VCV003052177.2), dbSNP rs749971261, ClinGen allele CA771703287.